The following is an entry in ClinVar:

NM_006231.4(POLE):c.4480C>T (p.Gln1494Ter)

Gene: POLE (DNA polymerase epsilon, catalytic subunit; minus strand). Cytogenetic location: 12q24.33.
Variant type: single nucleotide variant.
Coding change: c.4480C>T on transcript NM_006231.4 (MANE Select); coding-DNA position 4480, C replaced by T.
Protein change: p.Gln1494Ter; replaces glutamine 1494 with a stop codon.
Molecular consequence: nonsense.
Genome position (GRCh38, 1-based): chr12:132,643,295, G>A on the plus strand (C>T on the coding strand, the complement: POLE is on the minus strand). VCF-style: chr12-132643295-G-A. GRCh37 (hg19) VCF-style: chr12-133219881-G-A.
Other names: short protein forms Q1494*.
Identifiers: ClinVar variation 1740913 (VCV001740913.6), dbSNP rs1443837551, ClinGen allele CA387380668.

ClinVar aggregate classification (germline): Conflicting classifications of pathogenicity. Review status: criteria provided, conflicting classifications (1 of 4 stars). 2 submissions from 2 submitters: Pathogenic (1); Uncertain significance (1). Last evaluated 2026-01-15.

Conditions:
Hereditary cancer-predisposing syndrome. Also called: Tumor predisposition; Hereditary Cancer Syndrome; Hereditary neoplastic syndrome; Neoplastic Syndromes, Hereditary. Identifiers: Orphanet 140162, MedGen C0027672, MeSH D009386, MONDO:0015356.

Submissions (2):

Ambry Genetics
Classification: Uncertain significance for Hereditary cancer-predisposing syndrome. Last evaluated: 2026-01-15. Review status: criteria provided, single submitter. Criteria: Ambry Variant Classification Scheme 2023. Collection method: clinical testing. Allele origin: germline.
Comment: The p.Q1494* variant (also known as c.4480C>T), located in coding exon 35 of the POLE gene, results from a C to T substitution at nucleotide position 4480. This changes the amino acid from a glutamine to a stop codon within coding exon 35. This alteration is expected to result in loss of function by premature protein truncation or nonsense-mediated mRNA decay. Although biallelic loss of function of POLE has been associated with autosomal recessive POLE deficiency, haploinsufficiency of POLE has not been established as a mechanism of disease for POLE-related polymerase proofreading-associated polyposis (PPAP) and POLE-related CMMRD-like syndrome. Based on the supporting evidence, this variant is expected to be causative of POLE deficiency when present along with a second pathogenic variant on the other allele; however, its clinical significance for PPAP and POLE-related CMMRD-like syndrome is unclear.

Labcorp Genetics (formerly Invitae), Labcorp
Classification: Pathogenic. Last evaluated: 2024-04-02. Review status: criteria provided, single submitter. Criteria: Invitae Variant Classification Sherloc (09022015). Collection method: clinical testing. Allele origin: germline.
Comment: This sequence change creates a premature translational stop signal (p.Gln1494*) in the POLE gene. It is expected to result in an absent or disrupted protein product. Loss-of-function variants in POLE are known to be pathogenic (PMID: 23230001, 25948378, 30503519). This variant is not present in population databases (gnomAD no frequency). This premature translational stop signal has been observed in individual(s) with thyroid cancer and breast cancer (PMID: 32792570). ClinVar contains an entry for this variant (Variation ID: 1740913). For these reasons, this variant has been classified as Pathogenic.

Literature cited by the submitters: PubMed 23230001 (cited by Labcorp Genetics (formerly Invitae), Labcorp); PubMed 25948378 (cited by Labcorp Genetics (formerly Invitae), Labcorp); PubMed 30503519 (cited by Labcorp Genetics (formerly Invitae), Labcorp); PubMed 32792570 (cited by Labcorp Genetics (formerly Invitae), Labcorp).